The following is an entry in ClinVar:

ClinVar aggregate classification (germline): Uncertain significance. Review status: criteria provided, multiple submitters, no conflicts (2 of 4 stars). 2 submissions from 2 submitters: Uncertain significance (2). Last evaluated 2026-03-01.

Conditions:
Inborn genetic diseases. Identifiers: MedGen C0950123, MeSH D030342.

gnomAD v4.1: 15 of 1,598,972 alleles (0.00094%); highest among the groups gnomAD compares: Middle Eastern, 0.017%; no homozygotes.

Submissions (2):

CeGaT Center for Human Genetics Tuebingen
Classification: Uncertain significance. Last evaluated: 2026-03-01. Review status: criteria provided, single submitter. Criteria: CeGaT Center For Human Genetics Tuebingen Variant Classification Criteria Version 2. Collection method: clinical testing. Allele origin: germline. Affected: yes. Observed: 1 variant allele.
Comment: TRAK1: PM2, BP4

Ambry Genetics
Classification: Uncertain significance for Inborn genetic diseases. Last evaluated: 2025-10-29. Review status: criteria provided, single submitter. Criteria: Ambry Variant Classification Scheme 2023. Collection method: clinical testing. Allele origin: germline.

NM_001042646.3(TRAK1):c.1601G>A (p.Arg534His)

Gene: TRAK1 (trafficking kinesin protein 1; plus strand). Cytogenetic location: 3p22.1.
Variant type: single nucleotide variant.
Coding change: c.1601G>A on transcript NM_001042646.3 (MANE Select); coding-DNA position 1601, G replaced by A.
Protein change: p.Arg534His; replaces arginine 534 with histidine.
Molecular consequence: missense variant. On other transcripts: non-coding transcript variant (1).
Genome position (GRCh38, 1-based): chr3:42,202,609, G>A. VCF-style: chr3-42202609-G-A. GRCh37 (hg19) VCF-style: chr3-42244101-G-A.
Other names: c.1601G>A, p.Arg534His (NM_001265608.2, NM_001349246.2, NM_001349247.2); c.1379G>A, p.Arg460His (NM_001265609.2, NM_001265610.1, NM_001349248.1 and 1 more transcripts); c.1289G>A, p.Arg430His (NM_001349245.1); c.1427G>A, p.Arg476His (NM_001410741.1, NM_014965.5); c.1601G>A (NM_001042646.1); short protein forms R430H, R460H, R476H, R534H.
Identifiers: ClinVar variation 3389026 (VCV003389026.14).